The following is an entry in ClinVar:

ClinVar aggregate classification (germline): Uncertain significance (1 of 4 stars; one submission).

Conditions:
Juvenile polyposis syndrome (JPS). Identifiers: Orphanet 2929, MedGen C0345893, MONDO:0017380, OMIM 174900.

Submission:

Labcorp Genetics (formerly Invitae), Labcorp
Classification: Uncertain significance for Juvenile polyposis syndrome. Last evaluated: 2025-12-08. Review status: criteria provided, single submitter. Criteria: Invitae Variant Classification Sherloc (09022015). Collection method: clinical testing. Allele origin: germline.
Comment: This sequence change replaces lysine, which is basic and polar, with isoleucine, which is neutral and non-polar, at codon 531 of the BMPR1A protein (p.Lys531Ile). This variant is not present in population databases (gnomAD no frequency). This variant has not been reported in the literature in individuals affected with BMPR1A-related conditions. Invitae Evidence Modeling of protein sequence and biophysical properties (such as structural, functional, and spatial information, amino acid conservation, physicochemical variation, residue mobility, and thermodynamic stability) has been performed for this missense variant. However, the output from this modeling did not meet the statistical confidence thresholds required to predict the impact of this variant on BMPR1A protein function. In summary, the available evidence is currently insufficient to determine the role of this variant in disease. Therefore, it has been classified as a Variant of Uncertain Significance.

NM_004329.3(BMPR1A):c.1592A>T (p.Lys531Ile)

Gene: BMPR1A (bone morphogenetic protein receptor type 1A; plus strand). Cytogenetic location: 10q23.2.
Variant type: single nucleotide variant.
Coding change: c.1592A>T on transcript NM_004329.3 (MANE Select); coding-DNA position 1592, A replaced by T.
Protein change: p.Lys531Ile; replaces lysine 531 with isoleucine.
Molecular consequence: missense variant. On other transcripts: non-coding transcript variant (3).
Genome position (GRCh38, 1-based): chr10:86,923,712, A>T. VCF-style: chr10-86923712-A-T. GRCh37 (hg19) VCF-style: chr10-88683469-A-T.
Other names: c.1586A>T, p.Lys529Ile (NM_001406583.1); c.1508A>T, p.Lys503Ile (NM_001406584.1, NM_001406585.1, NM_001406586.1 and 2 more transcripts); c.1250A>T, p.Lys417Ile (NM_001406589.1); c.1667A>T, p.Lys556Ile (NM_001406559.1); c.1640A>T, p.Lys547Ile (NM_001406560.1); c.1592A>T, p.Lys531Ile (NM_001406561.1, NM_001406562.1, NM_001406563.1 and 19 more transcripts); short protein forms K556I, K529I, K417I, K503I, K531I, K547I.
Identifiers: ClinVar variation 4717925 (VCV004717925.1).